The following is an entry in ClinVar:

NM_004646.4(NPHS1):c.2633A>T (p.Asn878Ile)

Gene: NPHS1 (NPHS1 adhesion molecule, nephrin; minus strand). Cytogenetic location: 19q13.12.
Variant type: single nucleotide variant.
Coding change: c.2633A>T on transcript NM_004646.4 (MANE Select); coding-DNA position 2633, A replaced by T.
Protein change: p.Asn878Ile; replaces asparagine 878 with isoleucine.
Molecular consequence: missense variant.
Genome position (GRCh38, 1-based): chr19:35,842,154, T>A on the plus strand (A>T on the coding strand, the complement: NPHS1 is on the minus strand). VCF-style: chr19-35842154-T-A. GRCh37 (hg19) VCF-style: chr19-36333056-T-A.
Other names: short protein forms N878I.
Identifiers: ClinVar variation 3772100 (VCV003772100.13).

ClinVar aggregate classification (germline): Uncertain significance (1 of 4 stars; one submission).

gnomAD v4.1: 1 of 1,607,970 alleles (0.000062%); no homozygotes.

Submission:

CeGaT Center for Human Genetics Tuebingen
Classification: Uncertain significance. Last evaluated: 2024-12-01. Review status: criteria provided, single submitter. Criteria: CeGaT Center For Human Genetics Tuebingen Variant Classification Criteria Version 2. Collection method: clinical testing. Allele origin: germline. Affected: yes. Observed: 1 variant allele.
Comment: NPHS1: PM2, PM3